The following is an entry in ClinVar:

ClinVar aggregate classification (germline): Uncertain significance (1 of 4 stars; one submission).

Conditions:
Malignant hyperthermia, susceptibility to, 1 (MHS1). Also called: Anesthesia related hyperthermia; Malignant hyperpyrexia; Fulminating hyperpyrexia; Pharmacogenic myopathy; RYR1-Related Malignant Hyperthermia Susceptibility; Malignant hyperthermia suceptibility 1. Identifiers: Orphanet 423, MedGen C2930980, MONDO:0007783, OMIM 145600.

Allele frequency attached by ClinVar (database versions not stated): gnomAD exomes below 0.00001; TOPMed below 0.00001.
gnomAD v4.1: 1 of 1,613,504 alleles (0.000062%); highest among the groups gnomAD compares: Admixed American, 0.0017%; no homozygotes.

Submission:

All of Us Research Program, National Institutes of Health
Classification: Uncertain significance for Malignant hyperthermia, susceptibility to, 1. Last evaluated: 2023-10-06. Review status: criteria provided, single submitter. Criteria: ACMG Guidelines, 2015. Collection method: clinical testing. Allele origin: germline. Inheritance: Autosomal dominant inheritance. Observed: 1 variant allele, 1 heterozygote.
Comment: This missense variant replaces valine with alanine at codon 2280 of the RYR1 protein. Computational prediction suggests that this variant may have deleterious impact on protein structure and function (internally defined REVEL score threshold >= 0.7, PMID: 27666373). To our knowledge, functional studies have not been reported for this variant. This variant has not been reported in individuals affected with RYR1-related disorders in the literature. This variant has been identified in 2/281538 chromosomes in the general population by the Genome Aggregation Database (gnomAD). The available evidence is insufficient to determine the role of this variant in disease conclusively. Therefore, this variant is classified as a Variant of Uncertain Significance.

This study involves interpretation of variants in research participants for the purpose of population health screening. Participant phenotype was not available at the time of variant classification. Additional details can be found in publication PMID: 35346344, PMCID: PMC8962531

NM_000540.3(RYR1):c.6839T>C (p.Val2280Ala)

Gene: RYR1 (ryanodine receptor 1; plus strand). Cytogenetic location: 19q13.2.
Variant type: single nucleotide variant.
Coding change: c.6839T>C on transcript NM_000540.3 (MANE Select); coding-DNA position 6839, T replaced by C.
Protein change: p.Val2280Ala; replaces valine 2280 with alanine.
Molecular consequence: missense variant.
Genome position (GRCh38, 1-based): chr19:38,496,902, T>C. VCF-style: chr19-38496902-T-C. GRCh37 (hg19) VCF-style: chr19-38987542-T-C.
Other names: c.6839T>C, p.Val2280Ala (NM_001042723.2); short protein forms V2280A.
Identifiers: ClinVar variation 3073779 (VCV003073779.1), dbSNP rs1211824856, ClinGen allele CA405666534.